The following is an entry in ClinVar:

NM_001010870.3(TDRD6):c.1393C>T (p.Pro465Ser)

Gene: TDRD6 (tudor domain containing 6; plus strand). Cytogenetic location: 6p12.3.
Variant type: single nucleotide variant.
Coding change: c.1393C>T on transcript NM_001010870.3 (MANE Select); coding-DNA position 1393, C replaced by T.
Protein change: p.Pro465Ser; replaces proline 465 with serine.
Molecular consequence: missense variant.
Genome position (GRCh38, 1-based): chr6:46,689,521, C>T. VCF-style: chr6-46689521-C-T. GRCh37 (hg19) VCF-style: chr6-46657258-C-T.
Other names: c.1393C>T, p.Pro465Ser (NM_001168359.2); short protein forms P465S.
Identifiers: ClinVar variation 4533382 (VCV004533382.1).
Genomic context (GRCh38, chr6:46,689,521, plus strand): 5'-CGAGTCCTTCAGAGCCAGGCAACAGAGGAGGAGGAACCAGAAACATCTCAGTCTCAGTCT[C>T]CTGCTGAAGAAGTAGATGAAGAGATTTCACTCCCAGCCTTAAGATCTATCAGGTTAAAGA-3'
Protein context (NP_001010870.1, residues 455-475): EEPETSQSQS[Pro465Ser]AEEVDEEISL

ClinVar aggregate classification (germline): Uncertain significance (1 of 4 stars; one submission).

Conditions:
Male infertility. Identifiers: MedGen C0021364, MeSH D007248, MONDO:0005372, HP:0003251.

gnomAD v4.1: 4 of 1,614,042 alleles (0.00025%); highest among the groups gnomAD compares: Admixed American, 0.0017%; no homozygotes.

Submission:

Institute of Reproductive Genetics, University of Münster
Classification: Uncertain significance for Male infertility. Last evaluated: 2025-12-03. Review status: criteria provided, single submitter. Criteria: Uk Practice Guidelines For Variant Classification V4 01 2020. Collection method: research. Allele origin: germline. Affected: yes. Observed: 1 variant allele.
Comment: The NM_001010870.3:c.1393C>T, is a missense variant in TDRD6 which results in the substitution of a proline at position 465 by serine. This variant is rare in gnomAD (PM2_sup); version 4.1.1. In summary, this variant meets criteria to be classified as variant of uncertain significance for male infertility based on the ACMG/ criteria applied, as specified by the UK Best Practice Guidelines for variant classification (PM3, PM2_sup).